The following is an entry in ClinVar:

NM_015338.6(ASXL1):c.2453T>C (p.Val818Ala)

Gene: ASXL1 (ASXL transcriptional regulator 1; plus strand). Cytogenetic location: 20q11.21.
Variant type: single nucleotide variant.
Coding change: c.2453T>C on transcript NM_015338.6 (MANE Select); coding-DNA position 2453, T replaced by C.
Protein change: p.Val818Ala; replaces valine 818 with alanine.
Molecular consequence: missense variant.
Genome position (GRCh38, 1-based): chr20:32,435,165, T>C. VCF-style: chr20-32435165-T-C. GRCh37 (hg19) VCF-style: chr20-31022968-T-C.
Other names: c.2270T>C, p.Val757Ala (NM_001363734.1); short protein forms V818A, V757A.
Identifiers: ClinVar variation 4825182 (VCV004825182.1).

ClinVar aggregate classification (germline): Uncertain significance (1 of 4 stars; one submission).

Conditions:
Inborn genetic diseases. Identifiers: MedGen C0950123, MeSH D030342.

Submission:

Ambry Genetics
Classification: Uncertain significance for Inborn genetic diseases. Last evaluated: 2026-01-16. Review status: criteria provided, single submitter. Criteria: Ambry Variant Classification Scheme 2023. Collection method: clinical testing. Allele origin: germline.
Comment: The p.V818A variant (also known as c.2453T>C), located in coding exon 13 of the ASXL1 gene, results from a T to C substitution at nucleotide position 2453. The valine at codon 818 is replaced by alanine, an amino acid with similar properties. This amino acid position is conserved. In addition, this alteration is predicted to be tolerated by in silico analysis. Based on the available evidence, the clinical significance of this variant remains unclear.